The following is an entry in ClinVar:

NM_016247.4(IMPG2):c.380G>A (p.Arg127Gln)

Gene: IMPG2 (interphotoreceptor matrix proteoglycan 2; minus strand). Cytogenetic location: 3q12.3.
Variant type: single nucleotide variant.
Coding change: c.380G>A on transcript NM_016247.4 (MANE Select); coding-DNA position 380, G replaced by A.
Protein change: p.Arg127Gln; replaces arginine 127 with glutamine.
Molecular consequence: missense variant.
Genome position (GRCh38, 1-based): chr3:101,304,267, C>T on the plus strand (G>A on the coding strand, the complement: IMPG2 is on the minus strand). VCF-style: chr3-101304267-C-T. GRCh37 (hg19) VCF-style: chr3-101023111-C-T.
Other names: short protein forms R127Q.
Identifiers: ClinVar variation 1389705 (VCV001389705.4), dbSNP rs766305807, ClinGen allele CA2519488.

ClinVar aggregate classification (germline): Uncertain significance (1 of 4 stars; one submission).

Allele frequency attached by ClinVar (database versions not stated): ExAC 0.00001; gnomAD exomes 0.00001; TOPMed 0.00002.
gnomAD v4.1: 10 of 1,613,882 alleles (0.00062%); highest among the groups gnomAD compares: Admixed American, 0.005%; no homozygotes.

Submission:

Labcorp Genetics (formerly Invitae), Labcorp
Classification: Uncertain significance. Last evaluated: 2022-08-09. Review status: criteria provided, single submitter. Criteria: Invitae Variant Classification Sherloc (09022015). Collection method: clinical testing. Allele origin: germline.
Comment: In summary, the available evidence is currently insufficient to determine the role of this variant in disease. Therefore, it has been classified as a Variant of Uncertain Significance. Algorithms developed to predict the effect of missense changes on protein structure and function (SIFT, PolyPhen-2, Align-GVGD) all suggest that this variant is likely to be disruptive. ClinVar contains an entry for this variant (Variation ID: 1389705). This variant has not been reported in the literature in individuals affected with IMPG2-related conditions. This variant is present in population databases (rs766305807, gnomAD 0.009%). This sequence change replaces arginine, which is basic and polar, with glutamine, which is neutral and polar, at codon 127 of the IMPG2 protein (p.Arg127Gln).